The following is an entry in ClinVar:

NM_001128178.3(NPHP1):c.1591C>G (p.Gln531Glu)

Gene: NPHP1 (nephrocystin 1; minus strand). Cytogenetic location: 2q13.
Variant type: single nucleotide variant.
Coding change: c.1591C>G on transcript NM_001128178.3 (MANE Select); coding-DNA position 1591, C replaced by G.
Protein change: p.Gln531Glu; replaces glutamine 531 with glutamic acid.
Molecular consequence: missense variant.
Genome position (GRCh38, 1-based): chr2:110,131,730, G>C on the plus strand (C>G on the coding strand, the complement: NPHP1 is on the minus strand). VCF-style: chr2-110131730-G-C. GRCh37 (hg19) VCF-style: chr2-110889307-G-C.
Other names: c.1759C>G (NM_000272.4); c.1759C>G, p.Gln587Glu (NM_000272.5); c.1402C>G, p.Gln468Glu (NM_001128179.3); c.1588C>G, p.Gln530Glu (NM_001374256.1); c.1591C>G, p.Gln531Glu (NM_001374257.1); c.1756C>G, p.Gln586Glu (NM_207181.4); short protein forms Q587E, Q586E, Q531E, Q468E, Q530E.
Identifiers: ClinVar variation 598647 (VCV000598647.13), dbSNP rs1559045921, ClinGen allele CA348087051.
Genomic context (GRCh38, chr2:110,131,730, plus strand): 5'-CCCACTTACCAGTACTTTGCAAGCTCATCCTGTCTTTCAGGAGCACATCTCCAAGAATTT[G>C]TCGATAAAATATCAACAAGTGAATAGAACACATATTTCCAATTAATGTTTCTGGCAGTAG-3'
Protein context (NP_001121650.1, residues 521-541): CSIHLLIFYR[Gln531Glu]ILGDVLLKDR

ClinVar aggregate classification (germline): Uncertain significance. Review status: criteria provided, multiple submitters, no conflicts (2 of 4 stars). 3 submissions from 3 submitters: Uncertain significance (3). Last evaluated 2024-06-13.

Conditions:
Nephronophthisis. Also called: Juvenile Nephronophthisis. Identifiers: Orphanet 655, MedGen C0687120, MONDO:0019005, HP:0000090.
Nephronophthisis 1 (NPHP1). Also called: Nephronophthisis familial juvenile. Identifiers: Orphanet 655, Orphanet 93592, MedGen C1855681, MONDO:0009728, OMIM 256100.
Senior-Loken syndrome 1 (SLSN1). Also called: JUVENILE NEPHRONOPHTHISIS WITH LEBER AMAUROSIS. Identifiers: Orphanet 3156, MedGen C4551559, MONDO:0009962, OMIM 266900.
Joubert syndrome with renal defect. Also called: JOUBERT SYNDROME 4. Identifiers: Orphanet 220497, MedGen C1846790, MONDO:0012308, OMIM 609583.

gnomAD v4.1: 2 of 1,613,428 alleles (0.00012%); highest among the groups gnomAD compares: East Asian, 0.0045%; no homozygotes.

Submissions (3):

Fulgent Genetics
Classification: Uncertain significance for Nephronophthisis 1; Senior-Loken syndrome 1; Joubert syndrome with renal defect. Last evaluated: 2024-06-13. Review status: criteria provided, single submitter. Criteria: ACMG Guidelines, 2015. Collection method: clinical testing. Allele origin: germline.

Labcorp Genetics (formerly Invitae), Labcorp
Classification: Uncertain significance for Nephronophthisis. Last evaluated: 2022-09-01. Review status: criteria provided, single submitter. Criteria: Invitae Variant Classification Sherloc (09022015). Collection method: clinical testing. Allele origin: germline.
Comment: In summary, the available evidence is currently insufficient to determine the role of this variant in disease. Therefore, it has been classified as a Variant of Uncertain Significance. Algorithms developed to predict the effect of missense changes on protein structure and function output the following: SIFT: "Deleterious"; PolyPhen-2: "Benign"; Align-GVGD: "Class C0". The glutamic acid amino acid residue is found in multiple mammalian species, which suggests that this missense change does not adversely affect protein function. ClinVar contains an entry for this variant (Variation ID: 598647). This variant has not been reported in the literature in individuals affected with NPHP1-related conditions. This variant is not present in population databases (gnomAD no frequency). This sequence change replaces glutamine, which is neutral and polar, with glutamic acid, which is acidic and polar, at codon 587 of the NPHP1 protein (p.Gln587Glu).

Eurofins Ntd Llc (ga)
Classification: Uncertain significance. Last evaluated: 2018-09-06. Review status: criteria provided, single submitter. Criteria: EGL ClinVar v180209 classification definitions. Collection method: clinical testing. Allele origin: germline. Observed: 1 variant allele, 1 heterozygote.